The following is an entry in ClinVar:

ClinVar aggregate classification (germline): Uncertain significance. Review status: criteria provided, multiple submitters, no conflicts (2 of 4 stars). 2 submissions from 2 submitters: Uncertain significance (2). Last evaluated 2025-12-22.

Conditions:
Autosomal recessive severe congenital neutropenia due to G6PC3 deficiency. Also called: G6PC3 Deficiency; NEUTROPENIA, SEVERE CONGENITAL, 4, AUTOSOMAL RECESSIVE. Identifiers: Orphanet 331176, MedGen C2751630, MONDO:0012930, OMIM 612541.

Allele frequency attached by ClinVar (database versions not stated): gnomAD 0.00005 and 0.00006; TOPMed 0.00006; ESP Exome Variant Server 0.00023; ExAC 0.00003.
gnomAD v4.1: 179 of 1,613,906 alleles (0.011%); highest among the groups gnomAD compares: Non-Finnish European, 0.015%; no homozygotes.

Submissions (2):

Labcorp Genetics (formerly Invitae), Labcorp
Classification: Uncertain significance for Autosomal recessive severe congenital neutropenia due to G6PC3 deficiency. Last evaluated: 2025-12-22. Review status: criteria provided, single submitter. Criteria: Invitae Variant Classification Sherloc (09022015). Collection method: clinical testing. Allele origin: germline.
Comment: This sequence change replaces valine, which is neutral and non-polar, with methionine, which is neutral and non-polar, at codon 57 of the G6PC3 protein (p.Val57Met). This variant is present in population databases (rs150477295, gnomAD 0.007%). This variant has not been reported in the literature in individuals affected with G6PC3-related conditions. ClinVar contains an entry for this variant (Variation ID: 1014217). Invitae Evidence Modeling of protein sequence and biophysical properties (such as structural, functional, and spatial information, amino acid conservation, physicochemical variation, residue mobility, and thermodynamic stability) has been performed for this missense variant. However, the output from this modeling did not meet the statistical confidence thresholds required to predict the impact of this variant on G6PC3 protein function. In summary, the available evidence is currently insufficient to determine the role of this variant in disease. Therefore, it has been classified as a Variant of Uncertain Significance.

Genetic Services Laboratory, University of Chicago
Classification: Uncertain significance. Last evaluated: 2021-03-15. Review status: criteria provided, single submitter. Criteria: ACMG Guidelines, 2015. Collection method: clinical testing. Allele origin: germline. Affected: no.
Comment: DNA sequence analysis of the G6PC3 gene demonstrated a sequence change, c.169G>A, in exon 1 that results in an amino acid change, p.Val57Met. This sequence change has been described in gnomAD with a population frequency of 0.0016% (dbSNP rs150477295). The p.Val57Met change affects a moderately conserved amino acid residue located in a domain of the G6PC3 protein that is known to be functional. In-silico pathogenicity prediction tools (SIFT, PolyPhen2, Align GVGD, REVEL) provide contradictory results for the p.Val57Met substitution. This sequence change does not appear to have been previously described in patients with G6PC3-related disorders. Due to the lack of sufficient evidences, the clinical significance of the p.Val57Met change remains unknown at this time.

NM_138387.4(G6PC3):c.169G>A (p.Val57Met)

Genes: G6PC3 (glucose-6-phosphatase catalytic subunit 3; plus strand), LOC130060959 (ATAC-STARR-seq lymphoblastoid active region 12250; plus strand). Cytogenetic location: 17q21.31.
Variant type: single nucleotide variant.
Coding change: c.169G>A on transcript NM_138387.4 (MANE Select); coding-DNA position 169, G replaced by A.
Protein change: p.Val57Met; replaces valine 57 with methionine.
Molecular consequence: missense variant. On other transcripts: 5 prime UTR variant (3), intron variant (1).
Genome position (GRCh38, 1-based): chr17:44,071,134, G>A. VCF-style: chr17-44071134-G-A. GRCh37 (hg19) VCF-style: chr17-42148502-G-A.
Other names: c.169G>A, p.Val57Met (NM_001319945.2); c.-236G>A (NM_001384165.1); c.-371G>A (NM_001384166.1); c.-361G>A (NM_001384167.1); c.-312+420G>A (NM_001384168.1); short protein forms V57M.
Identifiers: ClinVar variation 1014217 (VCV001014217.10), dbSNP rs150477295, ClinGen allele CA8595893.